The following is an entry in ClinVar:

ClinVar aggregate classification (germline): Uncertain significance. Review status: criteria provided, multiple submitters, no conflicts (2 of 4 stars). 3 submissions from 3 submitters: Uncertain significance (3). Last evaluated 2025-11-24.

Conditions:
Inborn genetic diseases. Identifiers: MedGen C0950123, MeSH D030342.
Joubert syndrome. Also called: JOUBERT-BOLTSHAUSER SYNDROME; Familial aplasia of the vermis. Identifiers: Orphanet 475, MedGen C5979921, MONDO:0018772.
Meckel-Gruber syndrome. Also called: Dysencephalia splachnocystica; DYSENCEPHALIA SPLANCHNOCYSTICA; GRUBER SYNDROME. Identifiers: Orphanet 564, MedGen C0265215, MONDO:0018921.

Allele frequency attached by ClinVar (database versions not stated): gnomAD 0.00001 and 0.00002; gnomAD exomes 0.00001 and 0.00004; TOPMed 0.00002; ExAC 0.00003.
gnomAD v4.1: 63 of 1,609,774 alleles (0.0039%); highest among the groups gnomAD compares: Middle Eastern, 0.016%; no homozygotes.

Submissions (3):

Ambry Genetics
Classification: Uncertain significance for Inborn genetic diseases. Last evaluated: 2025-11-24. Review status: criteria provided, single submitter. Criteria: Ambry Variant Classification Scheme 2023. Collection method: clinical testing. Allele origin: germline.

GeneDx
Classification: Uncertain significance. Last evaluated: 2025-03-03. Review status: criteria provided, single submitter. Criteria: GeneDx Variant Classification Process June 2021. Collection method: clinical testing. Allele origin: germline. Affected: yes.
Comment: Not observed at significant frequency in large population cohorts (gnomAD); In silico analysis supports that this missense variant has a deleterious effect on protein structure/function; Has not been previously published as pathogenic or benign to our knowledge

Labcorp Genetics (formerly Invitae), Labcorp
Classification: Uncertain significance for Joubert syndrome; Meckel-Gruber syndrome. Last evaluated: 2024-03-09. Review status: criteria provided, single submitter. Criteria: Invitae Variant Classification Sherloc (09022015). Collection method: clinical testing. Allele origin: germline.
Comment: This sequence change replaces arginine, which is basic and polar, with tryptophan, which is neutral and slightly polar, at codon 1028 of the CC2D2A protein (p.Arg1028Trp). This variant is present in population databases (rs770004990, gnomAD 0.002%). This variant has not been reported in the literature in individuals affected with CC2D2A-related conditions. ClinVar contains an entry for this variant (Variation ID: 1047377). Advanced modeling of protein sequence and biophysical properties (such as structural, functional, and spatial information, amino acid conservation, physicochemical variation, residue mobility, and thermodynamic stability) has been performed at Invitae for this missense variant, however the output from this modeling did not meet the statistical confidence thresholds required to predict the impact of this variant on CC2D2A protein function. In summary, the available evidence is currently insufficient to determine the role of this variant in disease. Therefore, it has been classified as a Variant of Uncertain Significance.

NM_001378615.1(CC2D2A):c.3082C>T (p.Arg1028Trp)

Genes: CC2D2A (coiled-coil and C2 domain containing 2A; plus strand), FBXL5 (F-box and leucine rich repeat protein 5; minus strand). Cytogenetic location: 4p15.32.
Variant type: single nucleotide variant.
Coding change: c.3082C>T on transcript NM_001378615.1 (MANE Select); coding-DNA position 3082, C replaced by T.
Protein change: p.Arg1028Trp; replaces arginine 1028 with tryptophan.
Molecular consequence: missense variant.
Genome position (GRCh38, 1-based): chr4:15,563,422, C>T. VCF-style: chr4-15563422-C-T. GRCh37 (hg19) VCF-style: chr4-15565045-C-T.
Other names: c.3082C>T, p.Arg1028Trp (NM_001080522.2); c.2935C>T, p.Arg979Trp (NM_001378617.1); short protein forms R1028W, R979W.
Identifiers: ClinVar variation 1047377 (VCV001047377.9), dbSNP rs770004990, ClinGen allele CA2864073.